The following is an entry in ClinVar:

NM_002578.5(PAK3):c.727A>G (p.Lys243Glu)

Gene: PAK3 (p21 (RAC1) activated kinase 3; plus strand). Cytogenetic location: Xq23.
Variant type: single nucleotide variant.
Coding change: c.727A>G on transcript NM_002578.5 (MANE Select); coding-DNA position 727, A replaced by G.
Protein change: p.Lys243Glu; replaces lysine 243 with glutamic acid.
Molecular consequence: missense variant. On other transcripts: non-coding transcript variant (2).
Genome position (GRCh38, 1-based): chrX:111,163,688, A>G. VCF-style: chrX-111163688-A-G. GRCh37 (hg19) VCF-style: chrX-110406916-A-G.
Other names: c.727A>G, p.Lys243Glu (NM_001128166.3, NM_001128167.3, NM_001324325.2 and 5 more transcripts); c.835A>G, p.Lys279Glu (NM_001128168.3); c.790A>G, p.Lys264Glu (NM_001128172.2); c.772A>G, p.Lys258Glu (NM_001128173.3, NM_001324327.2, NM_001324328.2 and 2 more transcripts); short protein forms K243E, K258E, K264E, K279E.
Identifiers: ClinVar variation 1208070 (VCV001208070.4), dbSNP rs1460944698, ClinGen allele CA414236846.

ClinVar aggregate classification (germline): Uncertain significance (1 of 4 stars; one submission).

Allele frequency attached by ClinVar (database versions not stated): TOPMed 0.00001.

Submission:

GeneDx
Classification: Uncertain significance. Last evaluated: 2025-04-15. Review status: criteria provided, single submitter. Criteria: GeneDx Variant Classification Process June 2021. Collection method: clinical testing. Allele origin: germline. Affected: yes.
Comment: Not observed in large population cohorts (gnomAD); In silico analysis supports that this missense variant has a deleterious effect on protein structure/function; Has not been previously published as pathogenic or benign to our knowledge